The following is an entry in ClinVar:

ClinVar aggregate classification (germline): Uncertain significance (1 of 4 stars; one submission).

Conditions:
Hereditary pancreatitis (PCTT). Also called: Hereditary chronic pancreatitis; PRSS1-Related Hereditary Pancreatitis. Identifiers: Orphanet 676, MedGen C0238339, MONDO:0008185, OMIM 167800.

Submission:

Ambry Genetics
Classification: Uncertain significance for Hereditary pancreatitis. Last evaluated: 2024-03-19. Review status: criteria provided, single submitter. Criteria: Ambry Variant Classification Scheme 2023. Collection method: clinical testing. Allele origin: germline.
Comment: The p.D44V variant (also known as c.131A>T), located in coding exon 2 of the CPA1 gene, results from an A to T substitution at nucleotide position 131. The aspartic acid at codon 44 is replaced by valine, an amino acid with highly dissimilar properties. This amino acid position is conserved. In addition, this alteration is predicted to be tolerated by in silico analysis. Based on the available evidence, the clinical significance of this alteration remains unclear.

NM_001868.4(CPA1):c.131A>T (p.Asp44Val)

Gene: CPA1 (carboxypeptidase A1; plus strand). Cytogenetic location: 7q32.2.
Variant type: single nucleotide variant.
Coding change: c.131A>T on transcript NM_001868.4 (MANE Select); coding-DNA position 131, A replaced by T.
Protein change: p.Asp44Val; replaces aspartic acid 44 with valine.
Molecular consequence: missense variant.
Genome position (GRCh38, 1-based): chr7:130,381,163, A>T. VCF-style: chr7-130381163-A-T. GRCh37 (hg19) VCF-style: chr7-130021004-A-T.
Other names: short protein forms D44V.
Identifiers: ClinVar variation 3269077 (VCV003269077.1).
Genomic context (GRCh38, chr7:130,381,163, plus strand): 5'-AGGTGCTCCGAATCTCTGTAGCCGATGAGGCCCAGGTACAGAAGGTGAAGGAGCTGGAGG[A>T]CCTGGAGCACCTGCAGGTCAGAAGAGGGGAGAAGGGCTCTCTGAGGCCCCAGGGTATCAG-3'
Protein context (NP_001859.1, residues 34-54): AQVQKVKELE[Asp44Val]LEHLQLDFWR